The following is an entry in ClinVar:

NM_001145026.2(PTPRQ):c.5510G>A (p.Gly1837Asp)

Gene: PTPRQ (protein tyrosine phosphatase receptor type Q; plus strand). Cytogenetic location: 12q21.31.
Variant type: single nucleotide variant.
Coding change: c.5510G>A on transcript NM_001145026.2 (MANE Select); coding-DNA position 5510, G replaced by A.
Protein change: p.Gly1837Asp; replaces glycine 1837 with aspartic acid.
Molecular consequence: missense variant.
Genome position (GRCh38, 1-based): chr12:80,620,274, G>A. VCF-style: chr12-80620274-G-A. GRCh37 (hg19) VCF-style: chr12-81014053-G-A.
Other names: short protein forms G1837D.
Identifiers: ClinVar variation 3603125 (VCV003603125.1).

ClinVar aggregate classification (germline): Uncertain significance (1 of 4 stars; one submission).

gnomAD v4.1: 9 of 1,549,482 alleles (0.00058%); highest among the groups gnomAD compares: Admixed American, 0.0039%; no homozygotes.

Submission:

GeneDx
Classification: Uncertain significance. Last evaluated: 2024-08-05. Review status: criteria provided, single submitter. Criteria: GeneDx Variant Classification Process June 2021. Collection method: clinical testing. Allele origin: germline. Affected: yes.
Comment: Not observed at significant frequency in large population cohorts (gnomAD); In silico analysis supports that this missense variant has a deleterious effect on protein structure/function; Has not been previously published as pathogenic or benign to our knowledge